The following is an entry in ClinVar:

ClinVar aggregate classification (germline): Uncertain significance (1 of 4 stars; one submission).

Conditions:
Glycogen storage disease type III (GSD3). Also called: Cori disease; FORBES DISEASE. Identifiers: Orphanet 366, MedGen C0017922, MONDO:0009291, OMIM 232400.

Submission:

Labcorp Genetics (formerly Invitae), Labcorp
Classification: Uncertain significance for Glycogen storage disease type III. Last evaluated: 2019-07-05. Review status: criteria provided, single submitter. Criteria: Invitae Variant Classification Sherloc (09022015). Collection method: clinical testing. Allele origin: germline.
Comment: In summary, the available evidence is currently insufficient to determine the role of this variant in disease. Therefore, it has been classified as a Variant of Uncertain Significance. This variant is not present in population databases (ExAC no frequency). This sequence change replaces threonine with alanine at codon 1017 of the AGL protein (p.Thr1017Ala). The threonine residue is moderately conserved and there is a small physicochemical difference between threonine and alanine. This variant has not been reported in the literature in individuals with AGL-related conditions. Algorithms developed to predict the effect of missense changes on protein structure and function (SIFT, PolyPhen-2, Align-GVGD) all suggest that this variant is likely to be tolerated, but these predictions have not been confirmed by published functional studies and their clinical significance is uncertain.

NM_000642.3(AGL):c.3049A>G (p.Thr1017Ala)

Gene: AGL (amylo-alpha-1,6-glucosidase and 4-alpha-glucanotransferase; plus strand). Cytogenetic location: 1p21.2.
Variant type: single nucleotide variant.
Coding change: c.3049A>G on transcript NM_000642.3 (MANE Select); coding-DNA position 3049, A replaced by G.
Protein change: p.Thr1017Ala; replaces threonine 1017 with alanine.
Molecular consequence: missense variant.
Genome position (GRCh38, 1-based): chr1:99,891,705, A>G. VCF-style: chr1-99891705-A-G. GRCh37 (hg19) VCF-style: chr1-100357261-A-G.
Other names: c.3049A>G, p.Thr1017Ala (NM_000028.3, NM_000643.3, NM_000644.3 and 1 more transcripts); c.3001A>G, p.Thr1001Ala (NM_000646.3); c.3028A>G, p.Thr1010Ala (NM_001425326.1); c.2848A>G, p.Thr950Ala (NM_001425327.1); c.2845A>G, p.Thr949Ala (NM_001425328.1); c.2710A>G, p.Thr904Ala (NM_001425329.1); c.2671A>G, p.Thr891Ala (NM_001425332.1); short protein forms T1001A, T1017A, T1010A, T891A, T904A, T949A, T950A.
Identifiers: ClinVar variation 947409 (VCV000947409.10), dbSNP rs534210500, ClinGen allele CA341326234.
Genomic context (GRCh38, chr1:99,891,705, plus strand): 5'-CAGATCCCACGTTACCTTATCCCATGTTACTTTGATGCTATATTAATTGGTGCATATACC[A>G]CTCTTCTGGATACAGCATGGAAGCAGATGTCAAGGTATATCCAACAAAGCTTGAATAAAT-3'
Protein context (NP_000633.2, residues 1007-1027): FDAILIGAYT[Thr1017Ala]LLDTAWKQMS